The following is an entry in ClinVar:

NM_015466.4(PTPN23):c.3043C>T (p.His1015Tyr)

Gene: PTPN23 (protein tyrosine phosphatase non-receptor type 23; plus strand). Cytogenetic location: 3p21.31.
Variant type: single nucleotide variant.
Coding change: c.3043C>T on transcript NM_015466.4 (MANE Select); coding-DNA position 3043, C replaced by T.
Protein change: p.His1015Tyr; replaces histidine 1015 with tyrosine.
Molecular consequence: missense variant.
Genome position (GRCh38, 1-based): chr3:47,410,841, C>T. VCF-style: chr3-47410841-C-T. GRCh37 (hg19) VCF-style: chr3-47452331-C-T.
Other names: c.2665C>T, p.His889Tyr (NM_001304482.2); short protein forms H1015Y, H889Y.
Identifiers: ClinVar variation 1506206 (VCV001506206.4), dbSNP rs533548667, ClinGen allele CA2366180.

ClinVar aggregate classification (germline): Uncertain significance (1 of 4 stars; one submission).

Allele frequency attached by ClinVar (database versions not stated): ExAC 0.00006; gnomAD exomes 0.00014; gnomAD 0.00023 and 0.00024; 1000 Genomes Project 0.00060; 1000 Genomes Project 30x 0.00094.
gnomAD v4.1: 172 of 1,603,822 alleles (0.011%); highest among the groups gnomAD compares: Middle Eastern, 0.099%; 1 homozygote.

Submission:

Labcorp Genetics (formerly Invitae), Labcorp
Classification: Uncertain significance. Last evaluated: 2025-11-10. Review status: criteria provided, single submitter. Criteria: Invitae Variant Classification Sherloc (09022015). Collection method: clinical testing. Allele origin: germline.
Comment: This sequence change replaces histidine, which is basic and polar, with tyrosine, which is neutral and polar, at codon 1015 of the PTPN23 protein (p.His1015Tyr). This variant is present in population databases (rs533548667, gnomAD 0.05%), including at least one homozygous and/or hemizygous individual. This variant has not been reported in the literature in individuals affected with PTPN23-related conditions. ClinVar contains an entry for this variant (Variation ID: 1506206). An algorithm developed to predict the effect of missense changes on protein structure and function (PolyPhen-2) suggests that this variant is likely to be disruptive. In summary, the available evidence is currently insufficient to determine the role of this variant in disease. Therefore, it has been classified as a Variant of Uncertain Significance.